The following is an entry in ClinVar:

NM_001127644.2(GABRA1):c.-247C>T

Gene: GABRA1 (gamma-aminobutyric acid type A receptor subunit alpha1; plus strand). Cytogenetic location: 5q34.
Variant type: single nucleotide variant.
Coding change: c.-247C>T on transcript NM_001127644.2 (MANE Select); 247 bases upstream of the start codon, C replaced by T.
Molecular consequence: 5 prime UTR variant.
Genome position (GRCh38, 1-based): chr5:161,848,191, C>T. VCF-style: chr5-161848191-C-T. GRCh37 (hg19) VCF-style: chr5-161275197-C-T.
Other names: c.-247C>T (NM_000806.5, NM_001127643.2).
Identifiers: ClinVar variation 386238 (VCV000386238.1), dbSNP rs1043312870, ClinGen allele CA16604731.

ClinVar aggregate classification (germline): Likely benign (1 of 4 stars; one submission).

Allele frequency attached by ClinVar (database versions not stated): TOPMed 0.00010 and 0.00007.

Submission:

GeneDx
Classification: Likely benign. Last evaluated: 2016-05-23. Review status: criteria provided, single submitter. Criteria: GeneDx Variant Classification (06012015). Collection method: clinical testing. Allele origin: germline. Affected: yes.
Comment: This variant is considered likely benign or benign based on one or more of the following criteria: it is a conservative change, it occurs at a poorly conserved position in the protein, it is predicted to be benign by multiple in silico algorithms, and/or has population frequency not consistent with disease.